The following is an entry in ClinVar:

NM_019032.6(ADAMTSL4):c.1162dup (p.Ala388fs)

Genes: ADAMTSL4 (ADAMTS like 4; plus strand), ADAMTSL4-AS2 (ADAMTSL4 antisense RNA 2; minus strand). Cytogenetic location: 1q21.2.
Variant type: Duplication.
Coding change: c.1162dup on transcript NM_019032.6 (MANE Select); coding-DNA position 1162, one base duplicated (G; older notation c.1162dupG).
Protein change: p.Ala388fs; shifts the reading frame from alanine 388.
Molecular consequence: frameshift variant.
Genome position (GRCh38, 1-based): chr1:150,554,395, G duplicated; the last of 3 consecutive G bases (chr1:150,554,393-150,554,395); duplicating any one gives the same sequence. VCF-style (leftmost placement, unchanged base first): chr1-150554392-C-CG. GRCh37 (hg19) VCF-style: chr1-150526868-C-CG.
Other names: c.1162dup, p.Ala388fs (NM_001288607.2, NM_001288608.2, NM_001378596.1 and 1 more transcripts); short protein forms A388fs.
Identifiers: ClinVar variation 2733982 (VCV002733982.3), dbSNP rs2526631072, ClinGen allele CA2574053679.

ClinVar aggregate classification (germline): Pathogenic (1 of 4 stars; one submission).

Submission:

Labcorp Genetics (formerly Invitae), Labcorp
Classification: Pathogenic. Last evaluated: 2025-12-22. Review status: criteria provided, single submitter. Criteria: Invitae Variant Classification Sherloc (09022015). Collection method: clinical testing. Allele origin: germline.
Comment: This sequence change creates a premature translational stop signal (p.Ala388Glyfs*8) in the ADAMTSL4 gene. It is expected to result in an absent or disrupted protein product. Loss-of-function variants in ADAMTSL4 are known to be pathogenic (PMID: 20564469, 28642162). This variant is not present in population databases (gnomAD no frequency). This premature translational stop signal has been observed in individual(s) with ectopia lentis (PMID: 25975359). ClinVar contains an entry for this variant (Variation ID: 2733982). For these reasons, this variant has been classified as Pathogenic.

Literature cited by the submitters: PubMed 20564469; PubMed 28642162; PubMed 25975359.